The following is an entry in ClinVar:

ClinVar aggregate classification (germline): Likely benign. Review status: criteria provided, single submitter (1 of 4 stars). 2 submissions from 2 submitters: Likely benign (1). 1 of the submissions does not count toward it. Last evaluated 2023-02-10.

Conditions:
ARID1B-Related Disorder. Identifiers: MedGen CN381337.

Allele frequency attached by ClinVar (database versions not stated): ExAC 0.00002.
gnomAD v4.1: 12 of 1,611,124 alleles (0.00074%); highest among the groups gnomAD compares: Non-Finnish European, 0.001%; no homozygotes.

Submissions (2):

Labcorp Genetics (formerly Invitae), Labcorp
Classification: Likely benign. Last evaluated: 2023-02-10. Review status: criteria provided, single submitter. Criteria: Invitae Variant Classification Sherloc (09022015). Collection method: clinical testing. Allele origin: germline.

PreventionGenetics, part of Exact Sciences
Classification: Likely benign for ARID1B-related condition. Last evaluated: 2019-03-05. Review status: no assertion criteria provided. Collection method: clinical testing. Allele origin: germline. Not counted in ClinVar's aggregate classification.
Comment: This variant is classified as likely benign based on ACMG/AMP sequence variant interpretation guidelines (Richards et al. 2015 PMID: 25741868, with internal and published modifications).

NM_001374828.1(ARID1B):c.3186G>C (p.Thr1062=)

Gene: ARID1B (AT-rich interaction domain 1B; plus strand). Cytogenetic location: 6q25.3.
Variant type: single nucleotide variant.
Coding change: c.3186G>C on transcript NM_001374828.1 (MANE Select); coding-DNA position 3186, G replaced by C.
Protein change: p.Thr1062=; no amino-acid change (threonine 1062 retained).
Molecular consequence: synonymous variant.
Genome position (GRCh38, 1-based): chr6:157,167,136, G>C. VCF-style: chr6-157167136-G-C. GRCh37 (hg19) VCF-style: chr6-157488270-G-C.
Other names: c.2937G>C, p.Thr979= (NM_001346813.1); c.687G>C, p.Thr229= (NM_001363725.2); c.3225G>C, p.Thr1075= (NM_001371656.1, NM_001374820.1); c.3186G>C, p.Thr1062= (NM_017519.3); c.2976G>C, p.Thr992= (NM_020732.3); c.2763G>C, p.Thr921= (NM_175863.2).
Identifiers: ClinVar variation 2724023 (VCV002724023.5), dbSNP rs755525381, ClinGen allele CA4067220.
Genomic context (GRCh38, chr6:157,167,136, plus strand): 5'-TATGGCTTCCAGCTCTCCCTACAGCCAGCCCATGAACAACAGCTCTAGCCTGATGAACAC[G>C]CAGGCGCCGCCCTACAGCATGGCGCCCGCCATGGTGAACAGCTCGGCAGGTAACCTTGGC-3'
Protein context (NP_001361757.1, residues 1052-1072): PMNNSSSLMN[Thr1062=]QAPPYSMAPA